The following is an entry in ClinVar:

NM_000256.3(MYBPC3):c.2240del (p.Gly747fs)

Gene: MYBPC3 (myosin binding protein C3; minus strand). Cytogenetic location: 11p11.2.
Variant type: Deletion.
Coding change: c.2240del on transcript NM_000256.3 (MANE Select); coding-DNA position 2240, one base deleted (G; older notation c.2240delG).
Protein change: p.Gly747fs; shifts the reading frame from glycine 747.
Molecular consequence: frameshift variant.
Genome position (GRCh38, 1-based): chr11:47,338,588, C deleted on the plus strand (G on the coding strand, the reverse complement: MYBPC3 is on the minus strand); the first of 3 consecutive C bases (chr11:47,338,588-47,338,590); deleting any one gives the same sequence. VCF-style (leftmost placement, unchanged base first): chr11-47338587-GC-G. GRCh37 (hg19) VCF-style: chr11-47360138-GC-G.
Other names: short protein forms G747fs.
Identifiers: ClinVar variation 2444392 (VCV002444392.1), dbSNP rs2495752399, ClinGen allele CA2580084167.
Genomic context (GRCh38, chr11:47,338,587, plus strand): 5'-CTTGACTGTGAGGTTGACCTGGTCCTCGCCCACAGGGTTCTTCACTGTGACCGTGTAGAC[GC>G]CCTCATCTTCCTTCTCTGCCCCCTCGACCGTGAAGATGCTGCGGTCCTTGGTGGTCTCCA-3'

ClinVar aggregate classification (germline): Likely pathogenic (1 of 4 stars; one submission).

Conditions:
Hypertrophic cardiomyopathy 4. Also called: Familial hypertrophic cardiomyopathy 4. Identifiers: MedGen C1861862, MONDO:0007268, OMIM 115197.

Submission:

3billion
Classification: Likely pathogenic for Hypertrophic cardiomyopathy 4. Last evaluated: 2023-02-23. Review status: criteria provided, single submitter. Criteria: ACMG Guidelines, 2015. Collection method: clinical testing. Allele origin: unknown. Affected: yes.
Comment: The variant is not observed in the gnomAD v2.1.1 dataset. This variant was predicted to result in a loss or disruption of normal protein function through nonsense-mediated decay (NMD) or protein truncation. Multiple pathogenic variants are reported downstream of the variant. Therefore, this variant is classified as Likely pathogenic according to the recommendation of ACMG/AMP guideline.